The following continues an entry in ClinVar:

NM_000551.4(VHL):c.500G>A (p.Arg167Gln)

ClinVar aggregate classification (germline): Pathogenic. Pathogenic (1).

Submissions 5 to 20 of 20:

Ambry Genetics
Classification: Pathogenic for Hereditary cancer-predisposing syndrome. Last evaluated: 2024-11-01. Review status: criteria provided, single submitter. Criteria: Ambry Variant Classification Scheme 2023. Collection method: clinical testing. Allele origin: germline. Not counted in ClinVar's aggregate classification.
Comment: The p.R167Q pathogenic mutation (also known as c.500G>A), located in coding exon 3 of the VHL gene, results from a G to A substitution at nucleotide position 500. The arginine at codon 167 is replaced by glutamine, an amino acid with highly similar properties. This variant has been described in numerous VHL families from various ethnic backgrounds (Zbar B et al. Hum. Mutat. 1996;8:348-57; Gl&auml;sker S et al. J. Neurol. Neurosurg. Psychiatr. 1999 Dec;67:758-62; Zhou J et al. Pathol. Int. 2010 Jun;60:452-8; Lee JS et al. BMC Med. Genet. 2016 Jul;17:48; Wang X et al. Urology. 2014 Mar;83:675.e1-5; Pandit R et al. Eur. J. Endocrinol. 2016 Oct;175:311-23; Wong M et al. Chin J Cancer. 2016 Aug;35:79). Furthermore, substitutions at codon 167 impact a highly-conserved protein surface residue and have been reported to confer high pheochromocytoma risk (Crossey PA et al. Hum. Mol. Genet. 1994 Aug;3:1303-8; Cybulski C et al. J. Med. Genet. 2002 Jul;39:E38; Ong KR et al. Hum. Mutat. 2007 Feb;28:143-9). Of note, this variant has also been reported in some literature as p.R238Q ( c.713G>A). This variant is considered to be rare based on population cohorts in the Genome Aggregation Database (gnomAD). Based on the supporting evidence, this alteration is interpreted as a disease-causing mutation.

Genomic Medicine Center of Excellence, King Faisal Specialist Hospital and Research Centre
Classification: Pathogenic for Chuvash polycythemia. Last evaluated: 2024-09-22. Review status: criteria provided, single submitter. Criteria: ACMG Guidelines, 2015. Collection method: clinical testing. Allele origin: germline. Not counted in ClinVar's aggregate classification.

Laboratory of Molecular and Cytogenetics, Department of Anatomy, All India Institute of Medical Sciences (AIIMS)
Classification: Pathogenic for Von Hippel-Lindau syndrome. Last evaluated: 2023-05-21. Review status: criteria provided, single submitter. Criteria: ACMG Guidelines, 2015. Collection method: clinical testing. Allele origin: germline. Affected: yes. Observed: 1 variant allele. Not counted in ClinVar's aggregate classification.

GeneDx
Classification: Pathogenic. Last evaluated: 2023-05-19. Review status: criteria provided, single submitter. Criteria: GeneDx Variant Classification Process June 2021. Collection method: clinical testing. Allele origin: germline. Affected: yes. Not counted in ClinVar's aggregate classification.
Comment: Published functional studies demonstrate a damaging effect: disrupts HIF1-alpha hypoxia responsive regulation and impairs binding with Elongin C resulting in partial or unstable pVHL E3 (VBC) complex formation (Rathmell et al., 2004; Hacker et al., 2008; Lee et al., 2009); In silico analysis supports that this missense variant has a deleterious effect on protein structure/function; Not observed at significant frequency in large population cohorts (gnomAD); Also known as c.713G>A, p.(R238Q); This variant is associated with the following publications: (PMID: 21528828, 24352051, 18836774, 20151405, 19030229, 23990666, 29124493, 29616089, 11354926, 31447099, 19602254, 15574766, 12000816, 25371412, 7987306, 12114495, 17661816, 12202531, 21386872, 22517557, 19464396, 24581539, 24301059, 19215943, 25562111, 15300849, 24712571, 17264095, 9106522, 19252526, 25563310, 27539324, 27527340, 7784063, 28114281, 8730290, 28469506, 8956040, 10567493, 17024664, 20518900, 10205047, 29871882, 11510758, 29625052, 32742360, 33745191, 34122352, 32561571, 30787465, 35260109, 34923986)

Neuberg Centre For Genomic Medicine, NCGM
Classification: Pathogenic for Pheochromocytoma. Last evaluated: 2023-03-01. Review status: criteria provided, single submitter. Criteria: ACMG Guidelines, 2015. Collection method: clinical testing. Allele origin: germline. Inheritance: Autosomal dominant inheritance. Affected: yes. Not counted in ClinVar's aggregate classification.
Comment: The missense variant c.500G>A(p.Arg167Gln) in VHL gene has been observed in heterozygous state in multiple individual(s) with pheochromocytoma and VHL related disorders (Fagundes et. al., 2019; Tung et. al., 2022; Ciotti et. al., 2009). It has also been observed to segregate with disease in related individuals. Experimental studies have shown that this missense change affects VHL function (Bangiyeva et. al., 2009). The p.Arg167Gln variant is novel (not in any individuals) in 1000 Genomes and has allele frequency of 0.0004% in gnomAD exomes database. This variant has been reported to the ClinVar database as Uncertain Significance / Pathogenic (multiple submitters). The amino acid change p.Arg167Gln in VHL is predicted as conserved by GERP++ and PhyloP across 100 vertebrates. The amino acid Arg at position 167 is changed to a Gln changing protein sequence and it might alter its composition and physico-chemical properties. For these reasons, this variant has been classified as Pathogenic.

Johns Hopkins Genomics, Johns Hopkins University
Classification: Pathogenic for Von Hippel-Lindau syndrome. Last evaluated: 2019-09-25. Review status: criteria provided, single submitter. Criteria: ACMG Guidelines, 2015. Collection method: clinical testing. Allele origin: germline. Not counted in ClinVar's aggregate classification.

Laboratory for Molecular Medicine, Mass General Brigham Personalized Medicine
Classification: Pathogenic for Von Hippel-Lindau syndrome. Last evaluated: 2018-01-17. Review status: criteria provided, single submitter. Criteria: LMM Criteria. Collection method: clinical testing. Allele origin: germline. Inheritance: Autosomal dominant inheritance. Observed: 3 variant alleles. Not counted in ClinVar's aggregate classification.
Comment: The p.Arg167Gln variant in VHL (also described as p.Arg238Gln in the literature) has been reported in >15 individuals with von Hippel-Lindau syndrome (VHL) and is associated with a high incidence of pheochromocytomas (Crossey 1994, Neumann 2002, Park 2015, Sriphraprandang 2017; Zhuo 2010; Zbar 1996). It has also been r eported by other clinical laboratories in ClinVar (Variant ID: 2216). In vitro f unctional studies provide some evidence that the p.Arg167Gln variant may impact protein function (Rathmell 2004, Couve 2014). This variant has been identified i n 1/111702 European chromosomes by gnomAD. Co mputational prediction tools and conservation analysis suggest that the p.Arg176 Gln variant may impact the protein. Of note, other variants at this position (p. Arg167Gly, p.Arg167Leu, p.Arg167Trp) have been reported in individuals with VHL, suggesting that an alteration at this position is not tolerated. In summary, th is variant meets criteria to be classified as pathogenic for VHL in an autosomal dominant manner based upon multiple occurrences in affected individuals, very l ow frequency in the general population, presence of other pathogenic variants at the same amino acid position and computational and functional evidence. ACMG/AM P criteria applied: PS4, PM2, PM5, PS3_Supporting, PP3.

CeGaT Center for Human Genetics Tuebingen
Classification: Uncertain significance. Last evaluated: 2017-08-01. Review status: criteria provided, single submitter. Criteria: CeGaT Center For Human Genetics Tuebingen Variant Classification Criteria Version 2. Collection method: clinical testing. Allele origin: germline. Affected: yes. Observed: 1 variant allele. Not counted in ClinVar's aggregate classification.

PreventionGenetics, part of Exact Sciences
Classification: Pathogenic. Last evaluated: 2017-07-11. Review status: criteria provided, single submitter. Criteria: ACMG Guidelines, 2015. Collection method: clinical testing. Allele origin: germline. Not counted in ClinVar's aggregate classification.

CIViC Knowledgebase, Washington University School of Medicine
Classification: Pathogenic for von Hippel-Lindau disease. Review status: criteria provided, single submitter. Criteria: Danos AM et al. (Genome Med 2019). Collection method: curation. Allele origin: germline. Not counted in ClinVar's aggregate classification.
Comment: R167Q (c.500G>A) is a pathogenic variant for Von Hippel-Lindau. R167Q is the most common mutation associated with Von Hippel-Lindau syndrome. This variant is very rare in the general population at 4.061e-6 in the gnomAD exomes (v2.0.2) proving ACMG code PM2. The variant occurs within the functional domain, disrupting VHL binding to elongin C (ACMG code PM1). Additional codes are provided by the following EIDs. 4913 (PS4), 5062 (PP4), 5264 (PS4), 5354 (PP4), 5487 and 4913 (PP1).

AID4

Clinical Genomics Labs, University Health Network
Classification: Pathogenic for Von Hippel-Lindau syndrome. Last evaluated: 2019-05-10. Review status: no assertion criteria provided. Criteria: ACMG Guidelines, 2015. Collection method: clinical testing. Allele origin: germline. Not counted in ClinVar's aggregate classification.

Genomic Diagnostic Laboratory, Division of Genomic Diagnostics, Children's Hospital of Philadelphia
Classification: Pathogenic for Von Hippel-Lindau syndrome. Last evaluated: 2016-02-26. Review status: no assertion criteria provided. Collection method: clinical testing. Allele origin: germline. Affected: yes. Observed: 64 variant alleles. Not counted in ClinVar's aggregate classification.

OMIM
Classification: Pathogenic for VON HIPPEL-LINDAU SYNDROME. Last evaluated: 1995-06-01. Review status: no assertion criteria provided. Collection method: literature only. Allele origin: germline. Not counted in ClinVar's aggregate classification.

Clinical Genetics DNA and cytogenetics Diagnostics Lab, Erasmus MC, Erasmus Medical Center
Classification: Pathogenic. Review status: no assertion criteria provided. Collection method: clinical testing. Allele origin: germline. Affected: yes. Study: VKGL Data-share Consensus. Not counted in ClinVar's aggregate classification.

Genome Diagnostics Laboratory, University Medical Center Utrecht
Classification: Pathogenic. Review status: no assertion criteria provided. Collection method: clinical testing. Allele origin: germline. Affected: yes. Study: VKGL Data-share Consensus. Not counted in ClinVar's aggregate classification.

Joint Genome Diagnostic Labs from Nijmegen and Maastricht, Radboudumc and MUMC+
Classification: Pathogenic. Review status: no assertion criteria provided. Collection method: clinical testing. Allele origin: germline. Affected: yes. Study: VKGL Data-share Consensus. Not counted in ClinVar's aggregate classification.

Literature cited by the submitters: PubMed 15574766 (cited by 3 submitters); PubMed 19030229 (cited by ClinGen VHL Variant Curation Expert Panel, ClinGen and Labcorp Genetics (formerly Invitae), Labcorp); PubMed 7987306 (cited by 3 submitters); PubMed 8956040 (cited by 3 submitters); PubMed 10567493 (cited by Labcorp Genetics (formerly Invitae), Labcorp and Ambry Genetics); PubMed 12000816 (cited by Labcorp Genetics (formerly Invitae), Labcorp and Laboratory for Molecular Medicine, Mass General Brigham Personalized Medicine); PubMed 15300849 (cited by Labcorp Genetics (formerly Invitae), Labcorp); PubMed 19464396 (cited by Labcorp Genetics (formerly Invitae), Labcorp); PubMed 19252526 (cited by Labcorp Genetics (formerly Invitae), Labcorp); PubMed 19602254 (cited by Labcorp Genetics (formerly Invitae), Labcorp); PubMed 8730290 (cited by Labcorp Genetics (formerly Invitae), Labcorp); PubMed 38969834 (cited by Myriad Genetics, Inc.); PubMed 17024664 (cited by Myriad Genetics, Inc. and Ambry Genetics); PubMed 7728151 (cited by Myriad Genetics, Inc. and CIViC Knowledgebase, Washington University School of Medicine); PubMed 34416425 (cited by Myriad Genetics, Inc.); PubMed 36625343 (cited by Myriad Genetics, Inc.); PubMed 10761708 (cited by Myriad Genetics, Inc.); PubMed 39055909 (cited by Myriad Genetics, Inc.); PubMed 12114495 (cited by Ambry Genetics and CIViC Knowledgebase, Washington University School of Medicine); PubMed 20518900 (cited by Ambry Genetics and Laboratory for Molecular Medicine, Mass General Brigham Personalized Medicine); PubMed 24581539 (cited by Ambry Genetics); PubMed 25371412 (cited by Ambry Genetics and Laboratory for Molecular Medicine, Mass General Brigham Personalized Medicine); PubMed 27439424 (cited by Ambry Genetics); PubMed 27527340 (cited by Ambry Genetics); PubMed 27539324 (cited by Ambry Genetics); PubMed 25562111 (cited by Laboratory for Molecular Medicine, Mass General Brigham Personalized Medicine); PubMed 28469506 (cited by Laboratory for Molecular Medicine, Mass General Brigham Personalized Medicine); PubMed 20846682 (cited by CIViC Knowledgebase, Washington University School of Medicine); PubMed 8707293 (cited by CIViC Knowledgebase, Washington University School of Medicine); PubMed 9829912 (cited by CIViC Knowledgebase, Washington University School of Medicine); PubMed 9829911 (cited by CIViC Knowledgebase, Washington University School of Medicine); PubMed 12624160 (cited by CIViC Knowledgebase, Washington University School of Medicine); PubMed 7784063 (cited by OMIM); PubMed 8270255 (cited by OMIM).